The following is an entry in ClinVar:

ClinVar aggregate classification (germline): Uncertain significance. Review status: criteria provided, multiple submitters, no conflicts (2 of 4 stars). 5 submissions from 5 submitters: Uncertain significance (4). 1 of the submissions does not count toward it. Last evaluated 2025-09-24.

Conditions:
Retinal dystrophy. Also called: Inherited retinal dystrophy. Identifiers: Orphanet 71862, MedGen C0854723, MeSH D058499, MONDO:0019118, HP:0000556.
Inborn genetic diseases. Identifiers: MedGen C0950123, MeSH D030342.

Allele frequency attached by ClinVar (database versions not stated): gnomAD exomes 0.00005 and 0.00007; ExAC 0.00007; ESP Exome Variant Server 0.00015.
gnomAD v4.1: 115 of 1,613,738 alleles (0.0071%); highest among the groups gnomAD compares: South Asian, 0.012%; no homozygotes.

Submissions (5):

Ambry Genetics
Classification: Uncertain significance for Inborn genetic diseases. Last evaluated: 2025-09-24. Review status: criteria provided, single submitter. Criteria: Ambry Variant Classification Scheme 2023. Collection method: clinical testing. Allele origin: germline.

Blueprint Genetics
Classification: Uncertain significance. Last evaluated: 2024-03-11. Review status: criteria provided, single submitter. Criteria: ACMG Guidelines, 2015. Collection method: clinical testing. Allele origin: germline.

Dept Of Ophthalmology, Nagoya University
Classification: Uncertain significance for Retinal dystrophy. Last evaluated: 2023-10-01. Review status: criteria provided, single submitter. Criteria: Submitter's publication. Collection method: research. Allele origin: germline. Affected: yes.

Labcorp Genetics (formerly Invitae), Labcorp
Classification: Uncertain significance. Last evaluated: 2022-04-18. Review status: criteria provided, single submitter. Criteria: Invitae Variant Classification Sherloc (09022015). Collection method: clinical testing. Allele origin: germline.
Comment: This sequence change replaces arginine, which is basic and polar, with cysteine, which is neutral and slightly polar, at codon 180 of the TULP1 protein (p.Arg180Cys). This variant is present in population databases (rs139588263, gnomAD 0.01%). This variant has not been reported in the literature in individuals affected with TULP1-related conditions. Algorithms developed to predict the effect of missense changes on protein structure and function are either unavailable or do not agree on the potential impact of this missense change (SIFT: "Not Available"; PolyPhen-2: "Probably Damaging"; Align-GVGD: "Not Available"). Algorithms developed to predict the effect of sequence changes on RNA splicing suggest that this variant may create or strengthen a splice site. In summary, the available evidence is currently insufficient to determine the role of this variant in disease. Therefore, it has been classified as a Variant of Uncertain Significance.

Institute of Human Genetics, Univ. Regensburg, Univ. Regensburg
Classification: Uncertain significance for Retinal dystrophy. Last evaluated: 2017-01-01. Review status: no assertion criteria provided. Criteria: ACMG Guidelines, 2015. Collection method: clinical testing. Allele origin: germline. Affected: yes. Not counted in ClinVar's aggregate classification.

NM_003322.6(TULP1):c.538C>T (p.Arg180Cys)

Gene: TULP1 (TUB like protein 1; minus strand). Cytogenetic location: 6p21.31.
Variant type: single nucleotide variant.
Coding change: c.538C>T on transcript NM_003322.6 (MANE Select); coding-DNA position 538, C replaced by T.
Protein change: p.Arg180Cys; replaces arginine 180 with cysteine.
Molecular consequence: missense variant.
Genome position (GRCh38, 1-based): chr6:35,509,890, G>A on the plus strand (C>T on the coding strand, the complement: TULP1 is on the minus strand). VCF-style: chr6-35509890-G-A. GRCh37 (hg19) VCF-style: chr6-35477667-G-A.
Other names: c.538C>T (NM_003322.3); c.379C>T, p.Arg127Cys (NM_001289395.2); short protein forms R127C, R180C.
Identifiers: ClinVar variation 1467032 (VCV001467032.10), dbSNP rs139588263, ClinGen allele CA3772883.